The following is an entry in ClinVar:

ClinVar aggregate classification (germline): Uncertain significance (1 of 4 stars; one submission).

Conditions:
Hereditary nonpolyposis colorectal neoplasms. Identifiers: MedGen C0009405, MeSH D003123.

Submission:

Labcorp Genetics (formerly Invitae), Labcorp
Classification: Uncertain significance for Hereditary nonpolyposis colorectal neoplasms. Last evaluated: 2025-08-17. Review status: criteria provided, single submitter. Criteria: Invitae Variant Classification Sherloc (09022015). Collection method: clinical testing. Allele origin: germline.
Comment: This sequence change replaces alanine, which is neutral and non-polar, with glutamic acid, which is acidic and polar, at codon 393 of the MSH6 protein (p.Ala393Glu). This variant is not present in population databases (gnomAD no frequency). This variant has not been reported in the literature in individuals affected with MSH6-related conditions. Invitae Evidence Modeling of protein sequence and biophysical properties (such as structural, functional, and spatial information, amino acid conservation, physicochemical variation, residue mobility, and thermodynamic stability) indicates that this missense variant is not expected to disrupt MSH6 protein function with a negative predictive value of 95%. In summary, the available evidence is currently insufficient to determine the role of this variant in disease. Therefore, it has been classified as a Variant of Uncertain Significance.

NM_000179.3(MSH6):c.1178C>A (p.Ala393Glu)

Gene: MSH6 (mutS homolog 6; plus strand). Cytogenetic location: 2p16.3.
Variant type: single nucleotide variant.
Coding change: c.1178C>A on transcript NM_000179.3 (MANE Select); coding-DNA position 1178, C replaced by A.
Protein change: p.Ala393Glu; replaces alanine 393 with glutamic acid.
Molecular consequence: missense variant. On other transcripts: non-coding transcript variant (4), intron variant (1).
Genome position (GRCh38, 1-based): chr2:47,799,161, C>A. VCF-style: chr2-47799161-C-A. GRCh37 (hg19) VCF-style: chr2-48026300-C-A.
Other names: c.788C>A, p.Ala263Glu (NM_001281492.2); c.272C>A, p.Ala91Glu (NM_001281493.2, NM_001281494.2, NM_001406811.1 and 6 more transcripts); c.1274C>A, p.Ala425Glu (NM_001406795.1, NM_001406802.1); c.1178C>A, p.Ala393Glu (NM_001406796.1, NM_001406798.1, NM_001406800.1 and 4 more transcripts); c.881C>A, p.Ala294Glu (NM_001406797.1, NM_001406801.1, NM_001406805.1 and 10 more transcripts); c.653C>A, p.Ala218Glu (NM_001406799.1, NM_001406806.1, NM_001406807.1); c.1100C>A, p.Ala367Glu (NM_001406804.1); c.1184C>A, p.Ala395Glu (NM_001406813.1); and 2 more; short protein forms A218E, A263E, A294E, A337E, A367E, A393E, A395E, A425E.
Identifiers: ClinVar variation 4807772 (VCV004807772.1).